The following is an entry in ClinVar:

NM_000334.4(SCN4A):c.2005C>T (p.Arg669Cys)

Gene: SCN4A (sodium voltage-gated channel alpha subunit 4; minus strand). Cytogenetic location: 17q23.3.
Variant type: single nucleotide variant.
Coding change: c.2005C>T on transcript NM_000334.4 (MANE Select); coding-DNA position 2005, C replaced by T.
Protein change: p.Arg669Cys; replaces arginine 669 with cysteine.
Molecular consequence: missense variant.
Genome position (GRCh38, 1-based): chr17:63,959,279, G>A on the plus strand (C>T on the coding strand, the complement: SCN4A is on the minus strand). VCF-style: chr17-63959279-G-A. GRCh37 (hg19) VCF-style: chr17-62036639-G-A.
Other names: short protein forms R669C.
Identifiers: ClinVar variation 843445 (VCV000843445.11), dbSNP rs897448432, ClinGen allele CA292966944.

ClinVar aggregate classification (germline): Conflicting classifications of pathogenicity. Review status: criteria provided, conflicting classifications (1 of 4 stars). 2 submissions from 2 submitters: Likely pathogenic (1); Uncertain significance (1). Last evaluated 2025-05-01.

Conditions:
Hyperkalemic periodic paralysis. Also called: Familial hyperkalemic periodic paralysis; Gamstorp disease. Identifiers: Orphanet 682, MedGen C0238357, MONDO:0008224, OMIM 170500, HP:0007215.

Allele frequency attached by ClinVar (database versions not stated): gnomAD exomes below 0.00001 and 0.00001.
gnomAD v4.1: 5 of 1,613,352 alleles (0.00031%); highest among the groups gnomAD compares: Non-Finnish European, 0.00042%; no homozygotes.

Submissions (2):

Labcorp Genetics (formerly Invitae), Labcorp
Classification: Likely pathogenic for Hyperkalemic periodic paralysis. Last evaluated: 2025-05-01. Review status: criteria provided, single submitter. Criteria: Invitae Variant Classification Sherloc (09022015). Collection method: clinical testing. Allele origin: germline.
Comment: This sequence change replaces arginine, which is basic and polar, with cysteine, which is neutral and slightly polar, at codon 669 of the SCN4A protein (p.Arg669Cys). This variant is present in population databases (no rsID available, gnomAD 0.002%). This variant has not been reported in the literature in individuals affected with SCN4A-related conditions. ClinVar contains an entry for this variant (Variation ID: 843445). Invitae Evidence Modeling of protein sequence and biophysical properties (such as structural, functional, and spatial information, amino acid conservation, physicochemical variation, residue mobility, and thermodynamic stability) indicates that this missense variant is expected to disrupt SCN4A protein function with a positive predictive value of 95%. Experimental studies have shown that this missense change affects SCN4A function (PMID: 10200418). Algorithms developed to predict the effect of sequence changes on RNA splicing suggest that this variant may disrupt the consensus splice site. This variant disrupts the p.Arg669 amino acid residue in SCN4A. Other variant(s) that disrupt this residue have been determined to be pathogenic (PMID: 10599760, 11912116, 18162704, 21841462, 21881211, 25024265). This suggests that this residue is clinically significant, and that variants that disrupt this residue are likely to be disease-causing. In summary, the currently available evidence indicates that the variant is pathogenic, but additional data are needed to prove that conclusively. Therefore, this variant has been classified as Likely Pathogenic.

Blueprint Genetics
Classification: Uncertain significance. Last evaluated: 2022-01-07. Review status: criteria provided, single submitter. Criteria: ACMG Guidelines, 2015. Collection method: clinical testing. Allele origin: germline.

Literature cited by the submitters: PubMed 10200418 (cited by Labcorp Genetics (formerly Invitae), Labcorp); PubMed 10599760 (cited by Labcorp Genetics (formerly Invitae), Labcorp); PubMed 11912116 (cited by Labcorp Genetics (formerly Invitae), Labcorp); PubMed 18162704 (cited by Labcorp Genetics (formerly Invitae), Labcorp); PubMed 21841462 (cited by Labcorp Genetics (formerly Invitae), Labcorp); PubMed 21881211 (cited by Labcorp Genetics (formerly Invitae), Labcorp); PubMed 25024265 (cited by Labcorp Genetics (formerly Invitae), Labcorp).